The following is an entry in ClinVar:

ClinVar aggregate classification (germline): Benign/Likely benign. Review status: criteria provided, multiple submitters, no conflicts (2 of 4 stars). 11 submissions from 11 submitters: Benign (7); Likely benign (2). 2 of the submissions do not count toward it. Last evaluated 2026-06-08.

Conditions:
Autosomal recessive nonsyndromic hearing loss 8 (DFNB8). Also called: Deafness, autosomal recessive 10; NEUROSENSORY NONSYNDROMIC RECESSIVE DEAFNESS 8. Identifiers: Orphanet 90636, MedGen C1832827, MONDO:0010987, OMIM 601072.

Allele frequency attached by ClinVar (database versions not stated): 1000 Genomes Project 0.07768; 1000 Genomes Project 30x 0.07964; gnomAD exomes 0.09362 and 0.10775; ExAC 0.09763; gnomAD 0.11888 and 0.12359; TOPMed 0.12086; ESP Exome Variant Server 0.13063.

Submissions (15):

Women's Health and Genetics/Laboratory Corporation of America, LabCorp
Classification: Likely benign. Last evaluated: 2026-06-08. Review status: criteria provided, single submitter. Criteria: LabCorp Variant Classification Summary - May 2015. Collection method: clinical testing. Allele origin: germline.

Labcorp Genetics (formerly Invitae), Labcorp
Classification: Benign. Last evaluated: 2026-02-04. Review status: criteria provided, single submitter. Criteria: Invitae Variant Classification Sherloc (09022015). Collection method: clinical testing. Allele origin: germline.

Blueprint Genetics
Classification: Likely benign. Last evaluated: 2024-11-28. Review status: criteria provided, single submitter. Criteria: ACMG Guidelines, 2015. Collection method: clinical testing. Allele origin: germline.

Mayo Clinic Laboratories, Mayo Clinic
Classification: Benign. Last evaluated: 2020-10-02. Review status: criteria provided, single submitter. Criteria: ACMG Guidelines, 2015. Collection method: clinical testing. Allele origin: germline. Observed: 38 variant alleles.

Illumina Laboratory Services, Illumina
Classification: Benign for Autosomal recessive nonsyndromic hearing loss 8. Last evaluated: 2018-01-13. Review status: criteria provided, single submitter. Criteria: ICSL Variant Classification Criteria 13 December 2019. Collection method: clinical testing. Allele origin: germline.
Comment: This variant was observed in the ICSL laboratory as part of a predisposition screen in an ostensibly healthy population. It had not been previously curated by ICSL or reported in the Human Gene Mutation Database (HGMD: prior to June 1st, 2018), and was therefore a candidate for classification through an automated scoring system. Utilizing variant allele frequency, disease prevalence and penetrance estimates, and inheritance mode, an automated score was calculated to assess if this variant is too frequent to cause the disease. Based on the score and internal cut-off values, a variant classified as benign is not then subjected to further curation. The score for this variant resulted in a classification of benign for this disease.

GeneDx
Classification: Benign. Last evaluated: 2017-05-09. Review status: criteria provided, single submitter. Criteria: GeneDx Variant Classification (06012015). Collection method: clinical testing. Allele origin: germline. Affected: yes.
Comment: This variant is considered likely benign or benign based on one or more of the following criteria: it is a conservative change, it occurs at a poorly conserved position in the protein, it is predicted to be benign by multiple in silico algorithms, and/or has population frequency not consistent with disease.

Laboratory for Molecular Medicine, Mass General Brigham Personalized Medicine
Classification: Benign. Last evaluated: 2007-02-16. Review status: criteria provided, single submitter. Criteria: LMM Criteria. Collection method: clinical testing. Allele origin: germline. Observed: 440 variant alleles.

Breakthrough Genomics
Classification: Benign. Review status: criteria provided, single submitter. Criteria: ACMG Guidelines, 2015. Collection method: not provided. Allele origin: germline. Inheritance: Autosomal recessive inheritance. Affected: yes.

PreventionGenetics, part of Exact Sciences
Classification: Benign. Review status: criteria provided, single submitter. Criteria: ACMG Guidelines, 2015. Collection method: clinical testing. Allele origin: germline.

Clinical Genetics DNA and cytogenetics Diagnostics Lab, Erasmus MC, Erasmus Medical Center
Classification: Benign. Review status: no assertion criteria provided. Collection method: clinical testing. Allele origin: germline. Affected: yes. Study: VKGL Data-share Consensus. Not counted in ClinVar's aggregate classification.

Dr. Peter K. Rogan Lab, Western University
No classification provided (evidence only). Condition: Colorectal cancer. Review status: no classification provided. Collection method: in vitro. Allele origin: not applicable. Functional consequence: retained intron. Not counted in ClinVar's aggregate classification.

Dr. Peter K. Rogan Lab, Western University
No classification provided (evidence only). Condition: Malignant lymphoma, large B-cell, diffuse. Review status: no classification provided. Collection method: in vitro. Allele origin: not applicable. Functional consequence: retained intron. Not counted in ClinVar's aggregate classification.

Dr. Peter K. Rogan Lab, Western University
No classification provided (evidence only). Condition: Malignant lymphoma, large B-cell, diffuse. Review status: no classification provided. Collection method: in vitro. Allele origin: not applicable. Functional consequence: retained intron. Not counted in ClinVar's aggregate classification.

Dr. Peter K. Rogan Lab, Western University
No classification provided (evidence only). Condition: Malignant lymphoma, large B-cell, diffuse. Review status: no classification provided. Collection method: in vitro. Allele origin: not applicable. Functional consequence: retained intron. Not counted in ClinVar's aggregate classification.

Joint Genome Diagnostic Labs from Nijmegen and Maastricht, Radboudumc and MUMC+
Classification: Benign. Review status: no assertion criteria provided. Collection method: clinical testing. Allele origin: germline. Affected: yes. Study: VKGL Data-share Consensus. Not counted in ClinVar's aggregate classification.

Literature cited by the submitters: PubMed 12920079 (cited by Laboratory for Molecular Medicine, Mass General Brigham Personalized Medicine).

NM_001256317.3(TMPRSS3):c.331G>A (p.Gly111Ser)

Gene: TMPRSS3 (transmembrane serine protease 3; minus strand). Cytogenetic location: 21q22.3.
Variant type: single nucleotide variant.
Coding change: c.331G>A on transcript NM_001256317.3 (MANE Select); coding-DNA position 331, G replaced by A.
Protein change: p.Gly111Ser; replaces glycine 111 with serine.
Molecular consequence: missense variant. On other transcripts: 5 prime UTR variant (1).
Genome position (GRCh38, 1-based): chr21:42,388,518, C>T on the plus strand (G>A on the coding strand, the complement: TMPRSS3 is on the minus strand). VCF-style: chr21-42388518-C-T. GRCh37 (hg19) VCF-style: chr21-43808627-C-T.
Other names: c.331G>A (NM_024022.3); c.331G>A, p.Gly111Ser (NM_024022.4, NM_032405.2); c.-51G>A (NM_032404.3); short protein forms G111S.
Identifiers: ClinVar variation 46115 (VCV000046115.25), dbSNP rs35227181, ClinGen allele CA137708.
Genomic context (GRCh38, chr21:42,388,518, plus strand): 5'-CGGAGCACATGGTCTTCCACGAAGCAGCTGTGAACACCTGGAGCACGGCATTCTGACCAC[C>T]CACCCGGACTGGCCGATGTGCAGAAAGAAAGGCTTATTAGTGGCCAGTGGAACCCTGAGA-3'
Protein context (NP_001243246.1, residues 101-121): GEDEYRCVRV[Gly111Ser]GQNAVLQVFT